The following is an entry in ClinVar:

ClinVar aggregate classification (germline): Uncertain significance (1 of 4 stars; one submission).

Allele frequency attached by ClinVar (database versions not stated): TOPMed below 0.00001; gnomAD exomes 0.00001.
gnomAD v4.1: 7 of 1,613,744 alleles (0.00043%); highest among the groups gnomAD compares: Non-Finnish European, 0.00051%; no homozygotes.

Submission:

GeneDx
Classification: Uncertain significance. Last evaluated: 2023-03-06. Review status: criteria provided, single submitter. Criteria: GeneDx Variant Classification Process June 2021. Collection method: clinical testing. Allele origin: germline. Affected: yes.
Comment: Not observed at significant frequency in large population cohorts (gnomAD); In silico analysis supports that this missense variant has a deleterious effect on protein structure/function; Has not been previously published as pathogenic or benign to our knowledge

NM_017617.5(NOTCH1):c.6152G>A (p.Gly2051Glu)

Genes: NOTCH1 (notch receptor 1; minus strand), LOC126860794 (BRD4-independent group 4 enhancer GRCh37_chr9:139392592-139393791; plus strand). Cytogenetic location: 9q34.3.
Variant type: single nucleotide variant.
Coding change: c.6152G>A on transcript NM_017617.5 (MANE Select); coding-DNA position 6152, G replaced by A.
Protein change: p.Gly2051Glu; replaces glycine 2051 with glutamic acid.
Molecular consequence: missense variant.
Genome position (GRCh38, 1-based): chr9:136,498,927, C>T on the plus strand (G>A on the coding strand, the complement: NOTCH1 is on the minus strand). VCF-style: chr9-136498927-C-T. GRCh37 (hg19) VCF-style: chr9-139393379-C-T.
Other names: short protein forms G2051E.
Identifiers: ClinVar variation 2579358 (VCV002579358.1), dbSNP rs1589054356, ClinGen allele CA375633826.
Genomic context (GRCh38, chr9:136,498,927, plus strand): 5'-CGTCTCCCCTGGCATCCCAGCCTCGCGCTCACCCTGTTGTTCTGCATATCTTTGTTAGCC[C>T]CGTTCTTCAGGAGCACAACTGCGGCATCCACATTGTTCACGGCGGCGGCCCAGTGCAGGG-3'
Protein context (NP_060087.3, residues 2041-2061): VDAAVVLLKN[Gly2051Glu]ANKDMQNNRE